The following is an entry in ClinVar:

ClinVar aggregate classification (germline): Uncertain significance. Review status: criteria provided, multiple submitters, no conflicts (2 of 4 stars). 2 submissions from 2 submitters: Uncertain significance (2). Last evaluated 2025-08-06.

Conditions:
Congenital contractural arachnodactyly (CCA). Also called: BEALS SYNDROME; Beals-Hecht syndrome; Arthrogryposis, distal, type 9. Identifiers: Orphanet 115, MedGen C0220668, MONDO:0007363, OMIM 121050.
Familial thoracic aortic aneurysm and aortic dissection (TAAD). Also called: Thoracic aortic aneurysms and dissections. Identifiers: Orphanet 91387, MedGen C4707243, MONDO:0019625.

Submissions (2):

Ambry Genetics
Classification: Uncertain significance for Familial thoracic aortic aneurysm and aortic dissection. Last evaluated: 2025-08-06. Review status: criteria provided, single submitter. Criteria: Ambry Variant Classification Scheme 2023. Collection method: clinical testing. Allele origin: germline.
Comment: The c.1723+3A>G intronic variant results from an A to G substitution 3 nucleotides after coding exon 12 in the FBN2 gene. This nucleotide position is well conserved in available vertebrate species. In silico splice site analysis predicts that this alteration will not have any significant effect on splicing. Based on the available evidence, the clinical significance of this variant remains unclear.

Labcorp Genetics (formerly Invitae), Labcorp
Classification: Uncertain significance for Congenital contractural arachnodactyly. Last evaluated: 2023-03-30. Review status: criteria provided, single submitter. Criteria: Invitae Variant Classification Sherloc (09022015). Collection method: clinical testing. Allele origin: germline.
Comment: This sequence change falls in intron 12 of the FBN2 gene. It does not directly change the encoded amino acid sequence of the FBN2 protein. It affects a nucleotide within the consensus splice site. This variant is not present in population databases (gnomAD no frequency). This variant has not been reported in the literature in individuals affected with FBN2-related conditions. ClinVar contains an entry for this variant (Variation ID: 1358128). Variants that disrupt the consensus splice site are a relatively common cause of aberrant splicing (PMID: 17576681, 9536098). Algorithms developed to predict the effect of sequence changes on RNA splicing suggest that this variant is not likely to affect RNA splicing. In summary, the available evidence is currently insufficient to determine the role of this variant in disease. Therefore, it has been classified as a Variant of Uncertain Significance.

Literature cited by the submitters: PubMed 17576681 (cited by Labcorp Genetics (formerly Invitae), Labcorp); PubMed 9536098 (cited by Labcorp Genetics (formerly Invitae), Labcorp).

NM_001999.4(FBN2):c.1723+3A>G

Gene: FBN2 (fibrillin 2; minus strand). Cytogenetic location: 5q23.3.
Variant type: single nucleotide variant.
Coding change: c.1723+3A>G on transcript NM_001999.4 (MANE Select); 3 bases into the intron after coding-DNA position 1723, A replaced by G.
Molecular consequence: intron variant.
Genome position (GRCh38, 1-based): chr5:128,378,768, T>C on the plus strand (A>G on the coding strand, the complement: FBN2 is on the minus strand). VCF-style: chr5-128378768-T-C. GRCh37 (hg19) VCF-style: chr5-127714461-T-C.
Other names: c.1723+3A>G (NM_001999.3).
Identifiers: ClinVar variation 1358128 (VCV001358128.7), dbSNP rs2126960065, ClinGen allele CA2573138895.